The following is an entry in ClinVar:

ClinVar aggregate classification (germline): Conflicting classifications of pathogenicity. Review status: criteria provided, conflicting classifications (1 of 4 stars). 5 submissions from 4 submitters: Uncertain significance (2); Likely benign (2). 1 of the submissions does not count toward it. Last evaluated 2025-09-01.

Conditions:
PSEN1-related disorder. Also called: PSEN1-related condition.
Pick disease. Also called: DEMENTIA WITH LOBAR ATROPHY AND NEURONAL CYTOPLASMIC INCLUSIONS; LOBAR ATROPHY OF BRAIN; PICK DISEASE OF BRAIN; Pick's disease; Pick Disease of the Brain. Identifiers: Orphanet 282, MedGen C0236642, MONDO:0008243, OMIM 172700.
Frontotemporal dementia (FTD1). Also called: Frontotemporal Dementia with Parkinsonism-17 (FTDP-17); FRONTOTEMPORAL DEMENTIA WITH PARKINSONISM; FRONTOTEMPORAL LOBE DEMENTIA; MULTIPLE SYSTEM TAUOPATHY WITH PRESENILE DEMENTIA; Frontotemporal lobe dementia (FLDEM); Dementia, frontotemporal, with or without parkinsonism. Identifiers: Orphanet 282, MedGen C0338451, MONDO:0017276, OMIM 600274, HP:0002145.
Acne inversa, familial, 3 (ACNINV3). Identifiers: MedGen C3151038, MONDO:0013398, OMIM 613737.
Alzheimer disease 3 (AD3). Also called: ALZHEIMER DISEASE, FAMILIAL, 3. Identifiers: Orphanet 1020, MedGen C1843013, MONDO:0011913, OMIM 607822.
Dilated cardiomyopathy 1U. Identifiers: Orphanet 154, MedGen C3160720, MONDO:0013371, OMIM 613694.

Allele frequency attached by ClinVar (database versions not stated): TOPMed 0.00004.
gnomAD v4.1: 34 of 1,610,342 alleles (0.0021%); highest among the groups gnomAD compares: Middle Eastern, 0.082%; no homozygotes.

Submissions (5):

CeGaT Center for Human Genetics Tuebingen
Classification: Likely benign. Last evaluated: 2025-09-01. Review status: criteria provided, single submitter. Criteria: CeGaT Center For Human Genetics Tuebingen Variant Classification Criteria Version 2. Collection method: clinical testing. Allele origin: germline. Affected: yes. Observed: 1 variant allele.
Comment: PSEN1: BP4

Labcorp Genetics (formerly Invitae), Labcorp
Classification: Likely benign for Alzheimer disease 3; Pick disease; Acne inversa, familial, 3; Frontotemporal dementia. Last evaluated: 2024-03-07. Review status: criteria provided, single submitter. Criteria: Invitae Variant Classification Sherloc (09022015). Collection method: clinical testing. Allele origin: germline.

Illumina Laboratory Services, Illumina
Classification: Uncertain significance for Dilated cardiomyopathy 1U. Last evaluated: 2017-04-27. Review status: criteria provided, single submitter. Criteria: ICSL Variant Classification Criteria 13 December 2019. Collection method: clinical testing. Allele origin: germline.

Illumina Laboratory Services, Illumina
Classification: Uncertain significance for Alzheimer disease 3. Last evaluated: 2017-04-27. Review status: criteria provided, single submitter. Criteria: ICSL Variant Classification Criteria 13 December 2019. Collection method: clinical testing. Allele origin: germline.

PreventionGenetics, part of Exact Sciences
Classification: Likely benign for PSEN1-related condition. Last evaluated: 2024-09-17. Review status: no assertion criteria provided. Collection method: clinical testing. Allele origin: germline. Not counted in ClinVar's aggregate classification.
Comment: This variant is classified as likely benign based on ACMG/AMP sequence variant interpretation guidelines (Richards et al. 2015 PMID: 25741868, with internal and published modifications).

NM_000021.4(PSEN1):c.792G>T (p.Pro264=)

Gene: PSEN1 (presenilin 1; plus strand). Cytogenetic location: 14q24.2.
Variant type: single nucleotide variant.
Coding change: c.792G>T on transcript NM_000021.4 (MANE Select); coding-DNA position 792, G replaced by T.
Protein change: p.Pro264=; no amino-acid change (proline 264 retained).
Molecular consequence: synonymous variant.
Genome position (GRCh38, 1-based): chr14:73,198,053, G>T. VCF-style: chr14-73198053-G-T. GRCh37 (hg19) VCF-style: chr14-73664761-G-T.
Other names: c.780G>T, p.Pro260= (NM_007318.3).
Identifiers: ClinVar variation 723135 (VCV000723135.22), dbSNP rs150301281, ClinGen allele CA7256824.